The following is an entry in ClinVar:

NM_133497.4(KCNV2):c.1343G>T (p.Trp448Leu)

Gene: KCNV2 (potassium voltage-gated channel modifier subfamily V member 2; plus strand). Cytogenetic location: 9p24.2.
Variant type: single nucleotide variant.
Coding change: c.1343G>T on transcript NM_133497.4 (MANE Select); coding-DNA position 1343, G replaced by T.
Protein change: p.Trp448Leu; replaces tryptophan 448 with leucine.
Molecular consequence: missense variant.
Genome position (GRCh38, 1-based): chr9:2,719,082, G>T. VCF-style: chr9-2719082-G-T. GRCh37 (hg19) VCF-style: chr9-2719082-G-T.
Other names: short protein forms W448L.
Identifiers: ClinVar variation 1901728 (VCV001901728.5), dbSNP rs748841744, ClinGen allele CA4965861.
Genomic context (GRCh38, chr9:2,719,082, plus strand): 5'-CTGTCTACTCTGTGGAGCACGATGTGCCCAGCACCAACTTCACTACCATCCCCCACTCCT[G>T]GTGGTGGGCCGCGGTGAGTACCTTTGCCCTGGGCTTTCCCATCCTCTTCCCCAGCCCAGT-3'
Protein context (NP_598004.1, residues 438-458): STNFTTIPHS[Trp448Leu]WWAAVSISTV

ClinVar aggregate classification (germline): Uncertain significance. Review status: criteria provided, multiple submitters, no conflicts (2 of 4 stars). 2 submissions from 2 submitters: Uncertain significance (2). Last evaluated 2023-08-04.

Allele frequency attached by ClinVar (database versions not stated): TOPMed below 0.00001; gnomAD 0.00001; gnomAD exomes 0.00003; ExAC 0.00004.
gnomAD v4.1: 45 of 1,610,600 alleles (0.0028%); highest among the groups gnomAD compares: South Asian, 0.048%; 2 homozygotes.

Submissions (2):

Labcorp Genetics (formerly Invitae), Labcorp
Classification: Uncertain significance. Last evaluated: 2023-08-04. Review status: criteria provided, single submitter. Criteria: Invitae Variant Classification Sherloc (09022015). Collection method: clinical testing. Allele origin: germline.
Comment: This sequence change replaces tryptophan, which is neutral and slightly polar, with leucine, which is neutral and non-polar, at codon 448 of the KCNV2 protein (p.Trp448Leu). This variant is present in population databases (rs748841744, gnomAD 0.04%). This variant has not been reported in the literature in individuals affected with KCNV2-related conditions. ClinVar contains an entry for this variant (Variation ID: 1901728). Advanced modeling of protein sequence and biophysical properties (such as structural, functional, and spatial information, amino acid conservation, physicochemical variation, residue mobility, and thermodynamic stability) performed at Invitae indicates that this missense variant is not expected to disrupt KCNV2 protein function. In summary, the available evidence is currently insufficient to determine the role of this variant in disease. Therefore, it has been classified as a Variant of Uncertain Significance.

Blueprint Genetics
Classification: Uncertain significance. Last evaluated: 2022-11-15. Review status: criteria provided, single submitter. Criteria: ACMG Guidelines, 2015. Collection method: clinical testing. Allele origin: germline.